The following is an entry in ClinVar:

NM_001854.4(COL11A1):c.3843A>T (p.Lys1281Asn)

Gene: COL11A1 (collagen type XI alpha 1 chain; minus strand). Cytogenetic location: 1p21.1.
Variant type: single nucleotide variant.
Coding change: c.3843A>T on transcript NM_001854.4 (MANE Select); coding-DNA position 3843, A replaced by T.
Protein change: p.Lys1281Asn; replaces lysine 1281 with asparagine.
Molecular consequence: missense variant. On other transcripts: non-coding transcript variant (1).
Genome position (GRCh38, 1-based): chr1:102,914,785, T>A on the plus strand (A>T on the coding strand, the complement: COL11A1 is on the minus strand). VCF-style: chr1-102914785-T-A. GRCh37 (hg19) VCF-style: chr1-103380341-T-A.
Other names: c.3495A>T, p.Lys1165Asn (NM_001168249.1, NM_080630.4); c.3726A>T, p.Lys1242Asn (NM_001190709.2); c.3879A>T, p.Lys1293Asn (NM_080629.3); short protein forms K1242N, K1165N, K1281N, K1293N.
Identifiers: ClinVar variation 2012654 (VCV002012654.4), dbSNP rs1655111375, ClinGen allele CA341161597.

ClinVar aggregate classification (germline): Uncertain significance (1 of 4 stars; one submission).

Allele frequency attached by ClinVar (database versions not stated): TOPMed below 0.00001.

Submission:

Labcorp Genetics (formerly Invitae), Labcorp
Classification: Uncertain significance. Last evaluated: 2023-07-17. Review status: criteria provided, single submitter. Criteria: Invitae Variant Classification Sherloc (09022015). Collection method: clinical testing. Allele origin: germline.
Comment: In summary, the available evidence is currently insufficient to determine the role of this variant in disease. Therefore, it has been classified as a Variant of Uncertain Significance. Advanced modeling of protein sequence and biophysical properties (such as structural, functional, and spatial information, amino acid conservation, physicochemical variation, residue mobility, and thermodynamic stability) has been performed at Invitae for this missense variant, however the output from this modeling did not meet the statistical confidence thresholds required to predict the impact of this variant on COL11A1 protein function. ClinVar contains an entry for this variant (Variation ID: 2012654). This variant has not been reported in the literature in individuals affected with COL11A1-related conditions. This variant is not present in population databases (gnomAD no frequency). This sequence change replaces lysine, which is basic and polar, with asparagine, which is neutral and polar, at codon 1281 of the COL11A1 protein (p.Lys1281Asn).